The following is an entry in ClinVar:

NM_001365480.1(CCDC88A):c.2866C>G (p.Leu956Val)

Gene: CCDC88A (coiled-coil and HOOK domain protein 88A; minus strand). Cytogenetic location: 2p16.1.
Variant type: single nucleotide variant.
Coding change: c.2866C>G on transcript NM_001365480.1 (MANE Select); coding-DNA position 2866, C replaced by G.
Protein change: p.Leu956Val; replaces leucine 956 with valine.
Molecular consequence: missense variant.
Genome position (GRCh38, 1-based): chr2:55,328,425, G>C on the plus strand (C>G on the coding strand, the complement: CCDC88A is on the minus strand). VCF-style: chr2-55328425-G-C. GRCh37 (hg19) VCF-style: chr2-55555561-G-C.
Other names: c.2863C>G, p.Leu955Val (NM_001135597.2, NM_001254943.2); c.2866C>G, p.Leu956Val (NM_018084.5); short protein forms L955V, L956V.
Identifiers: ClinVar variation 1361182 (VCV001361182.8), dbSNP rs1312006876, ClinGen allele CA346896115.

ClinVar aggregate classification (germline): Uncertain significance (1 of 4 stars; one submission).

Submission:

Labcorp Genetics (formerly Invitae), Labcorp
Classification: Uncertain significance. Last evaluated: 2021-06-14. Review status: criteria provided, single submitter. Criteria: Invitae Variant Classification Sherloc (09022015). Collection method: clinical testing. Allele origin: germline.
Comment: In summary, the available evidence is currently insufficient to determine the role of this variant in disease. Therefore, it has been classified as a Variant of Uncertain Significance. Algorithms developed to predict the effect of missense changes on protein structure and function are either unavailable or do not agree on the potential impact of this missense change (SIFT: "Tolerated"; PolyPhen-2: "Probably Damaging"; Align-GVGD: "Class C0"). This variant has not been reported in the literature in individuals with CCDC88A-related conditions. This variant is not present in population databases (ExAC no frequency). This sequence change replaces leucine with valine at codon 955 of the CCDC88A protein (p.Leu955Val). The leucine residue is moderately conserved and there is a small physicochemical difference between leucine and valine.